The following is an entry in ClinVar:

ClinVar aggregate classification (germline): Pathogenic (1 of 4 stars; one submission).

Conditions:
Hereditary hyperekplexia. Identifiers: Orphanet 3197, MedGen C4084968, MONDO:0021022.

Submission:

Labcorp Genetics (formerly Invitae), Labcorp
Classification: Pathogenic for Hereditary hyperekplexia. Last evaluated: 2025-11-09. Review status: criteria provided, single submitter. Criteria: Invitae Variant Classification Sherloc (09022015). Collection method: clinical testing. Allele origin: germline.
Comment: This sequence change creates a premature translational stop signal (p.Trp122*) in the GLRA1 gene. It is expected to result in an absent or disrupted protein product. Loss-of-function variants in GLRA1 are known to be pathogenic (PMID: 20631190, 24108130). This variant is not present in population databases (gnomAD no frequency). This variant has not been reported in the literature in individuals affected with GLRA1-related conditions. ClinVar contains an entry for this variant (Variation ID: 2850498). For these reasons, this variant has been classified as Pathogenic.

Literature cited by the submitters: PubMed 20631190; PubMed 24108130.

NM_000171.4(GLRA1):c.365G>A (p.Trp122Ter)

Gene: GLRA1 (glycine receptor alpha 1; minus strand). Cytogenetic location: 5q33.1.
Variant type: single nucleotide variant.
Coding change: c.365G>A on transcript NM_000171.4 (MANE Select); coding-DNA position 365, G replaced by A.
Protein change: p.Trp122Ter; replaces tryptophan 122 with a stop codon.
Molecular consequence: nonsense.
Genome position (GRCh38, 1-based): chr5:151,859,896, C>T on the plus strand (G>A on the coding strand, the complement: GLRA1 is on the minus strand). VCF-style: chr5-151859896-C-T. GRCh37 (hg19) VCF-style: chr5-151239457-C-T.
Other names: c.365G>A, p.Trp122Ter (NM_001146040.2); c.116G>A, p.Trp39Ter (NM_001292000.2); short protein forms W122*, W39*.
Identifiers: ClinVar variation 2850498 (VCV002850498.3), dbSNP rs2479991322, ClinGen allele CA361841654.